The following is an entry in ClinVar:

ClinVar aggregate classification (germline): Conflicting classifications of pathogenicity. Review status: criteria provided, conflicting classifications (1 of 4 stars). 3 submissions from 3 submitters: Uncertain significance (1); Benign (1). 1 of the submissions does not count toward it. Last evaluated 2023-11-02.

Conditions:
RECQL4-related disorder. Also called: RECQL4-related condition; RECQL4-related disorders.
Baller-Gerold syndrome (BGS). Also called: CRANIOSYNOSTOSIS WITH RADIAL DEFECTS. Identifiers: Orphanet 1225, MedGen C0265308, MONDO:0009039, OMIM 218600.
Ovarian cancer. Also called: OVARIAN CANCER, SOMATIC. Identifiers: Orphanet 213500, MedGen C1140680, MONDO:0008170, OMIM 167000.

Allele frequency attached by ClinVar (database versions not stated): gnomAD 0.00002; TOPMed 0.00002; ExAC 0.00004; ESP Exome Variant Server 0.00008.
gnomAD v4.1: 40 of 1,611,268 alleles (0.0025%); highest among the groups gnomAD compares: South Asian, 0.0033%; no homozygotes.

Submissions (3):

Labcorp Genetics (formerly Invitae), Labcorp
Classification: Uncertain significance for Baller-Gerold syndrome. Last evaluated: 2023-11-02. Review status: criteria provided, single submitter. Criteria: Invitae Variant Classification Sherloc (09022015). Collection method: clinical testing. Allele origin: germline.
Comment: This sequence change replaces alanine, which is neutral and non-polar, with threonine, which is neutral and polar, at codon 594 of the RECQL4 protein (p.Ala594Thr). This variant is present in population databases (rs376364416, gnomAD 0.007%). This variant has not been reported in the literature in individuals affected with RECQL4-related conditions. ClinVar contains an entry for this variant (Variation ID: 583123). Advanced modeling of protein sequence and biophysical properties (such as structural, functional, and spatial information, amino acid conservation, physicochemical variation, residue mobility, and thermodynamic stability) performed at Invitae indicates that this missense variant is not expected to disrupt RECQL4 protein function with a negative predictive value of 80%. In summary, the available evidence is currently insufficient to determine the role of this variant in disease. Therefore, it has been classified as a Variant of Uncertain Significance.

Laboratory of Molecular Epidemiology of Birth Defects, West China Second University Hospital, Sichuan University
Classification: Benign for Ovarian cancer. Last evaluated: 2022-01-01. Review status: criteria provided, single submitter. Criteria: ACMG Guidelines, 2015. Collection method: clinical testing. Allele origin: germline. Affected: yes.

PreventionGenetics, part of Exact Sciences
Classification: Uncertain significance for RECQL4-related condition. Last evaluated: 2024-03-27. Review status: no assertion criteria provided. Collection method: clinical testing. Allele origin: germline. Not counted in ClinVar's aggregate classification.
Comment: The RECQL4 c.1780G>A variant is predicted to result in the amino acid substitution p.Ala594Thr. To our knowledge, this variant has not been reported in the literature. This variant is reported in 0.0065% of alleles in individuals of South Asian descent in gnomAD. At this time, the clinical significance of this variant is uncertain due to the absence of conclusive functional and genetic evidence.

NM_004260.4(RECQL4):c.1780G>A (p.Ala594Thr)

Gene: RECQL4 (RecQ like helicase 4; minus strand). Cytogenetic location: 8q24.3.
Variant type: single nucleotide variant.
Coding change: c.1780G>A on transcript NM_004260.4 (MANE Select); coding-DNA position 1780, G replaced by A.
Protein change: p.Ala594Thr; replaces alanine 594 with threonine.
Molecular consequence: missense variant.
Genome position (GRCh38, 1-based): chr8:144,514,287, C>T on the plus strand (G>A on the coding strand, the complement: RECQL4 is on the minus strand). VCF-style: chr8-144514287-C-T. GRCh37 (hg19) VCF-style: chr8-145739671-C-T.
Other names: short protein forms A594T.
Identifiers: ClinVar variation 583123 (VCV000583123.8), dbSNP rs376364416, ClinGen allele CA4948661.